The following is an entry in ClinVar:

NM_213720.3(CHCHD10):c.211G>A (p.Gly71Arg)

Gene: CHCHD10 (coiled-coil-helix-coiled-coil-helix domain containing 10; minus strand). Cytogenetic location: 22q11.23.
Variant type: single nucleotide variant.
Coding change: c.211G>A on transcript NM_213720.3 (MANE Select); coding-DNA position 211, G replaced by A.
Protein change: p.Gly71Arg; replaces glycine 71 with arginine.
Molecular consequence: missense variant. On other transcripts: non-coding transcript variant (1).
Genome position (GRCh38, 1-based): chr22:23,767,424, C>T on the plus strand (G>A on the coding strand, the complement: CHCHD10 is on the minus strand). VCF-style: chr22-23767424-C-T. GRCh37 (hg19) VCF-style: chr22-24109611-C-T.
Other names: c.211G>A, p.Gly71Arg (NM_001301339.2); short protein forms G71R.
Identifiers: ClinVar variation 1313416 (VCV001313416.7), dbSNP rs2145926804, ClinGen allele CA410916101.

ClinVar aggregate classification (germline): Uncertain significance. Review status: criteria provided, multiple submitters, no conflicts (2 of 4 stars). 2 submissions from 2 submitters: Uncertain significance (2). Last evaluated 2026-01-15.

Conditions:
Lower motor neuron syndrome with late-adult onset (SMAJ). Also called: Late-Onset Spinal Motor Neuronopathy (SMAJ); Spinal muscular atrophy, Jokela type. Identifiers: Orphanet 276435, MedGen C3554398, MONDO:0014025, OMIM 615048.
Frontotemporal dementia and/or amyotrophic lateral sclerosis 2. Also called: FTDALS2. Identifiers: Orphanet 275872, MedGen C4014648, MONDO:0014395, OMIM 615911.
Autosomal dominant mitochondrial myopathy with exercise intolerance (IMMD). Also called: Myopathy, isolated mitochondrial, autosomal dominant. Identifiers: Orphanet 457050, MedGen C4015513, MONDO:0014532, OMIM 616209.

Allele frequency attached by ClinVar (database versions not stated): gnomAD exomes below 0.00001.

Submissions (2):

Labcorp Genetics (formerly Invitae), Labcorp
Classification: Uncertain significance for Lower motor neuron syndrome with late-adult onset; Frontotemporal dementia and/or amyotrophic lateral sclerosis 2; Autosomal dominant mitochondrial myopathy with exercise intolerance. Last evaluated: 2026-01-15. Review status: criteria provided, single submitter. Criteria: Invitae Variant Classification Sherloc (09022015). Collection method: clinical testing. Allele origin: germline.
Comment: This sequence change replaces glycine, which is neutral and non-polar, with arginine, which is basic and polar, at codon 71 of the CHCHD10 protein (p.Gly71Arg). This variant is not present in population databases (gnomAD no frequency). This variant has not been reported in the literature in individuals affected with CHCHD10-related conditions. ClinVar contains an entry for this variant (Variation ID: 1313416). An algorithm developed to predict the effect of missense changes on protein structure and function (PolyPhen-2) suggests that this variant is likely to be disruptive. In summary, the available evidence is currently insufficient to determine the role of this variant in disease. Therefore, it has been classified as a Variant of Uncertain Significance.

GeneDx
Classification: Uncertain significance. Last evaluated: 2020-10-13. Review status: criteria provided, single submitter. Criteria: GeneDx Variant Classification Process June 2021. Collection method: clinical testing. Allele origin: germline. Affected: yes.
Comment: Not observed in large population cohorts (Lek et al., 2016); In silico analysis supports that this missense variant has a deleterious effect on protein structure/function; Has not been previously published as pathogenic or benign to our knowledge